The following is an entry in ClinVar:

ClinVar aggregate classification (germline): Uncertain significance. Review status: criteria provided, multiple submitters, no conflicts (2 of 4 stars). 2 submissions from 2 submitters: Uncertain significance (2). Last evaluated 2024-08-23.

Conditions:
LMX1B-related disorder. Also called: LMX1B-related condition.

Allele frequency attached by ClinVar (database versions not stated): gnomAD 0.00001; gnomAD exomes 0.00001; TOPMed 0.00002; ESP Exome Variant Server 0.00008.
gnomAD v4.1: 11 of 1,613,212 alleles (0.00068%); highest among the groups gnomAD compares: Admixed American, 0.0017%; no homozygotes.

Submissions (2):

Labcorp Genetics (formerly Invitae), Labcorp
Classification: Uncertain significance. Last evaluated: 2024-08-23. Review status: criteria provided, single submitter. Criteria: Invitae Variant Classification Sherloc (09022015). Collection method: clinical testing. Allele origin: germline.
Comment: This sequence change replaces glycine, which is neutral and non-polar, with serine, which is neutral and polar, at codon 328 of the LMX1B protein (p.Gly328Ser). This variant is not present in population databases (gnomAD no frequency). This missense change has been observed in individual(s) with clinical features of focal segmental glomerulosclerosis (PMID: 31865346). This variant is also known as p.Gly339Ser. ClinVar contains an entry for this variant (Variation ID: 2637401). Invitae Evidence Modeling of protein sequence and biophysical properties (such as structural, functional, and spatial information, amino acid conservation, physicochemical variation, residue mobility, and thermodynamic stability) indicates that this missense variant is not expected to disrupt LMX1B protein function with a negative predictive value of 80%. In summary, the available evidence is currently insufficient to determine the role of this variant in disease. Therefore, it has been classified as a Variant of Uncertain Significance.

PreventionGenetics, part of Exact Sciences
Classification: Uncertain significance for LMX1B-related condition. Last evaluated: 2022-09-13. Review status: criteria provided, single submitter. Criteria: ACMG Guidelines, 2015. Collection method: clinical testing. Allele origin: germline.
Comment: The LMX1B c.982G>A variant is predicted to result in the amino acid substitution p.Gly328Ser. This variant was reported to segregate with IgA nephropathy in a family and was reported as uncertain (reported as rs373336352 or p.Gly339Ser, Pedigree of family F74 in Figure 4, Stapleton et al 2020. PubMed ID: 31865346). This variant has not been reported in a large population database, indicating this variant is rare. At this time, the clinical significance of this variant is uncertain due to the absence of conclusive functional and genetic evidence.

Literature cited by the submitters: PubMed 31865346 (cited by Labcorp Genetics (formerly Invitae), Labcorp).

NM_001174147.2(LMX1B):c.982G>A (p.Gly328Ser)

Gene: LMX1B (LIM homeobox transcription factor 1 beta; plus strand). Cytogenetic location: 9q33.3.
Variant type: single nucleotide variant.
Coding change: c.982G>A on transcript NM_001174147.2 (MANE Select); coding-DNA position 982, G replaced by A.
Protein change: p.Gly328Ser; replaces glycine 328 with serine.
Molecular consequence: missense variant.
Genome position (GRCh38, 1-based): chr9:126,695,934, G>A. VCF-style: chr9-126695934-G-A. GRCh37 (hg19) VCF-style: chr9-129458213-G-A.
Other names: c.1015G>A, p.Gly339Ser (NM_001174146.2); c.982G>A, p.Gly328Ser (NM_002316.4); short protein forms G328S, G339S.
Identifiers: ClinVar variation 2637401 (VCV002637401.3), dbSNP rs373336352, ClinGen allele CA199816288.